The following is an entry in ClinVar:

NM_001267550.2(TTN):c.71833T>C (p.Trp23945Arg)

Genes: TTN (titin; minus strand), TTN-AS1 (TTN antisense RNA 1; plus strand). Cytogenetic location: 2q31.2.
Variant type: single nucleotide variant.
Coding change: c.71833T>C on transcript NM_001267550.2 (MANE Select); coding-DNA position 71833, T replaced by C.
Protein change: p.Trp23945Arg; replaces tryptophan 23945 with arginine.
Molecular consequence: missense variant.
Genome position (GRCh38, 1-based): chr2:178,574,299, A>G on the plus strand (T>C on the coding strand, the complement: TTN is on the minus strand). VCF-style: chr2-178574299-A-G. GRCh37 (hg19) VCF-style: chr2-179439026-A-G.
Other names: c.66910T>C, p.Trp22304Arg (NM_001256850.1); c.44638T>C, p.Trp14880Arg (NM_003319.4); c.64129T>C, p.Trp21377Arg (NM_133378.4); c.45013T>C, p.Trp15005Arg (NM_133432.3); c.45214T>C, p.Trp15072Arg (NM_133437.4); short protein forms W21377R, W23945R, W15072R, W22304R, W14880R, W15005R.
Identifiers: ClinVar variation 332789 (VCV000332789.5), dbSNP rs553796385, ClinGen allele CA1990582.

ClinVar aggregate classification (germline): Conflicting classifications of pathogenicity. Review status: criteria provided, conflicting classifications (1 of 4 stars). 5 submissions from 1 submitter: Uncertain significance (3); Benign (2). Last evaluated 2018-01-13.

Conditions:
Myopathy, myofibrillar, 9, with early respiratory failure (MFM9). Also called: Myopathy, distal, with early respiratory failure, autosomal dominant; Hereditary myopathy with early respiratory failure; EDSTROM MYOPATHY; MYOPATHY, PROXIMAL, WITH EARLY RESPIRATORY MUSCLE INVOLVEMENT. Identifiers: Orphanet 178464, Orphanet 34521, MedGen C1863599, MONDO:0011362, OMIM 603689.
Early-onset myopathy with fatal cardiomyopathy (CMYO5). Also called: CONGENITAL MYOPATHY 5 WITH CARDIOMYOPATHY; Salih Myopathy. Identifiers: Orphanet 289377, MedGen C2673677, MONDO:0012714, OMIM 611705. Disease mechanism: loss of function.
Autosomal recessive limb-girdle muscular dystrophy type 2J (LGMDR10). Also called: MUSCULAR DYSTROPHY, LIMB-GIRDLE, AUTOSOMAL RECESSIVE 10; Limb-girdle muscular dystrophy, type 2J. Identifiers: Orphanet 140922, MedGen C1837342, MONDO:0012127, OMIM 608807.
Tibial muscular dystrophy (TMD). Also called: Udd Distal Myopathy – Tibial Muscular Dystrophy; UDD MYOPATHY; Tibial muscular dystrophy, tardive. Identifiers: Orphanet 609, MedGen C1838244, MONDO:0010870, OMIM 600334.
Dilated cardiomyopathy 1G (CMD1G). Identifiers: Orphanet 154, MedGen C1858763, MONDO:0011400, OMIM 604145.

Allele frequency attached by ClinVar (database versions not stated): gnomAD below 0.00001 and 0.00001; gnomAD exomes 0.00001 and 0.00002; ExAC 0.00002; 1000 Genomes Project 0.00020; 1000 Genomes Project 30x 0.00031.
gnomAD v4.1: 9 of 1,613,482 alleles (0.00056%); highest among the groups gnomAD compares: South Asian, 0.0099%; no homozygotes.

Submissions (5):

Illumina Laboratory Services, Illumina
Classification: Uncertain significance for Early-onset myopathy with fatal cardiomyopathy. Last evaluated: 2018-01-13. Review status: criteria provided, single submitter. Criteria: ICSL Variant Classification Criteria 13 December 2019. Collection method: clinical testing. Allele origin: germline.

Illumina Laboratory Services, Illumina
Classification: Benign for Myopathy, myofibrillar, 9, with early respiratory failure. Last evaluated: 2018-01-13. Review status: criteria provided, single submitter. Criteria: ICSL Variant Classification Criteria 13 December 2019. Collection method: clinical testing. Allele origin: germline.
Comment: This variant was observed in the ICSL laboratory as part of a predisposition screen in an ostensibly healthy population. It had not been previously curated by ICSL or reported in the Human Gene Mutation Database (HGMD: prior to June 1st, 2018), and was therefore a candidate for classification through an automated scoring system. Utilizing variant allele frequency, disease prevalence and penetrance estimates, and inheritance mode, an automated score was calculated to assess if this variant is too frequent to cause the disease. Based on the score and internal cut-off values, a variant classified as benign is not then subjected to further curation. The score for this variant resulted in a classification of benign for this disease.

Illumina Laboratory Services, Illumina
Classification: Uncertain significance for Autosomal recessive limb-girdle muscular dystrophy type 2J. Last evaluated: 2018-01-13. Review status: criteria provided, single submitter. Criteria: ICSL Variant Classification Criteria 13 December 2019. Collection method: clinical testing. Allele origin: germline.

Illumina Laboratory Services, Illumina
Classification: Uncertain significance for Dilated cardiomyopathy 1G. Last evaluated: 2018-01-13. Review status: criteria provided, single submitter. Criteria: ICSL Variant Classification Criteria 13 December 2019. Collection method: clinical testing. Allele origin: germline.

Illumina Laboratory Services, Illumina
Classification: Benign for Tibial muscular dystrophy. Last evaluated: 2018-01-13. Review status: criteria provided, single submitter. Criteria: ICSL Variant Classification Criteria 13 December 2019. Collection method: clinical testing. Allele origin: germline.
Comment: the same text as in the submission from Illumina Laboratory Services, Illumina above.